The following is an entry in ClinVar:

NM_000091.5(COL4A3):c.*177A>G

Genes: COL4A3 (collagen type IV alpha 3 chain; plus strand), MFF-DT (MFF divergent transcript; minus strand). Cytogenetic location: 2q36.3.
Variant type: single nucleotide variant.
Coding change: c.*177A>G on transcript NM_000091.5 (MANE Select); 177 bases downstream of the stop codon, A replaced by G.
Molecular consequence: 3 prime UTR variant.
Genome position (GRCh38, 1-based): chr2:227,312,047, A>G. VCF-style: chr2-227312047-A-G. GRCh37 (hg19) VCF-style: chr2-228176763-A-G.
Identifiers: ClinVar variation 334790 (VCV000334790.6), dbSNP rs139638980, ClinGen allele CA10612673.

ClinVar aggregate classification (germline): Benign. Review status: criteria provided, multiple submitters, no conflicts (2 of 4 stars). 2 submissions from 2 submitters: Benign (2). Last evaluated 2018-01-12.

Conditions:
Alport syndrome. Also called: Hemorrhagic familial nephritis; Hemorrhagic hereditary nephritis; Congenital hereditary hematuria. Identifiers: Orphanet 63, MedGen C1567741, MONDO:0018965.

Allele frequency attached by ClinVar (database versions not stated): gnomAD exomes 0.00295; gnomAD 0.00688 and 0.00738; TOPMed 0.01048; 1000 Genomes Project 0.01518; 1000 Genomes Project 30x 0.01796.
gnomAD v4.1: 4,133 of 1,155,346 alleles (0.36%); highest among the groups gnomAD compares: Admixed American, 5.5%; 92 homozygotes.

Submissions (2):

Illumina Laboratory Services, Illumina
Classification: Benign for Alport syndrome. Last evaluated: 2018-01-12. Review status: criteria provided, single submitter. Criteria: ICSL Variant Classification Criteria 13 December 2019. Collection method: clinical testing. Allele origin: germline.
Comment: This variant was observed in the ICSL laboratory as part of a predisposition screen in an ostensibly healthy population. It had not been previously curated by ICSL or reported in the Human Gene Mutation Database (HGMD: prior to June 1st, 2018), and was therefore a candidate for classification through an automated scoring system. Utilizing variant allele frequency, disease prevalence and penetrance estimates, and inheritance mode, an automated score was calculated to assess if this variant is too frequent to cause the disease. Based on the score and internal cut-off values, a variant classified as benign is not then subjected to further curation. The score for this variant resulted in a classification of benign for this disease.

Breakthrough Genomics
Classification: Benign. Review status: criteria provided, single submitter. Criteria: ACMG Guidelines, 2015. Collection method: not provided. Allele origin: germline. Inheritance: Autosomal recessive inheritance. Affected: yes.